The following is an entry in ClinVar:

ClinVar aggregate classification (germline): Likely pathogenic (1 of 4 stars; one submission).

Conditions:
Autosomal recessive polycystic kidney disease (ARPKD). Also called: AR polycystic kidney disease. Identifiers: Orphanet 731, Orphanet 8378, MedGen C0085548, MeSH D017044, MONDO:0009889.

Submission:

Natera, Inc.
Classification: Likely pathogenic for Autosomal recessive polycystic kidney disease. Last evaluated: 2025-08-21. Review status: criteria provided, single submitter. Criteria: Natera Variant Classification Schema (03/2026). Collection method: clinical testing. Allele origin: germline.
Comment: The c.2775C>G variant in PKHD1 is a nonsense variant predicted to introduce a stop codon at amino acid 925. This variant is expected to result in nonsense mediated decay, truncation, or a dysfunctional protein product. This variant is rare in the general population with a frequency below the threshold expected for the associated phenotype(s). Given the available evidence, this variant is classified as Likely Pathogenic.

NM_138694.4(PKHD1):c.2775C>G (p.Tyr925Ter)

Gene: PKHD1 (PKHD1 ciliary IPT domain containing fibrocystin/polyductin; minus strand). Cytogenetic location: 6p12.2.
Variant type: single nucleotide variant.
Coding change: c.2775C>G on transcript NM_138694.4 (MANE Select); coding-DNA position 2775, C replaced by G.
Protein change: p.Tyr925Ter; replaces tyrosine 925 with a stop codon.
Molecular consequence: nonsense.
Genome position (GRCh38, 1-based): chr6:52,043,671, G>C on the plus strand (C>G on the coding strand, the complement: PKHD1 is on the minus strand). VCF-style: chr6-52043671-G-C. GRCh37 (hg19) VCF-style: chr6-51908469-G-C.
Other names: c.2775C>G, p.Tyr925Ter (NM_170724.3); short protein forms Y925*.
Identifiers: ClinVar variation 4816619 (VCV004816619.1).
Genomic context (GRCh38, chr6:52,043,671, plus strand): 5'-GTGACAAATCATACCAATGGAGTACCACACAGAATGGACACAGGGAGTTGACCCTTGGAG[G>C]TACTGGAAAGAGCAGGAACCTGGGCAATGAGCTGGTACATCATTCACTCGCACAACCACC-3'